The following is an entry in ClinVar:

NC_000016.9:g.(?_89804999)_(89871810_?)del

Genes: FANCA (FA complementation group A; minus strand), ZNF276 (zinc finger protein 276; plus strand). Cytogenetic location: 16q24.3.
Variant type: Deletion.
Identifiers: ClinVar variation 1066578 (VCV001066578.6).

ClinVar aggregate classification (germline): Likely pathogenic (1 of 4 stars; one submission).

Conditions:
Fanconi anemia (FA). Also called: Fanconi's anemia. Identifiers: Orphanet 84, MedGen C0015625, MeSH D005199, MONDO:0019391.

Submission:

Labcorp Genetics (formerly Invitae), Labcorp
Classification: Likely pathogenic for Fanconi anemia. Last evaluated: 2021-08-04. Review status: criteria provided, single submitter. Criteria: Invitae Variant Classification Sherloc (09022015). Collection method: clinical testing. Allele origin: germline.
Comment: This variant is a gross deletion of the genomic region encompassing exon(s) 7-43 of the FANCA gene. The 5' boundary is likely confined to intron 6. The 3' end of this event is unknown as it extends through the termination codon beyond the assayed region for this gene and may encompass additional genes. While this deletion is not anticipated to lead to nonsense mediated decay, it is expected to alter mRNA translation or result in a truncated protein product. This variant has not been reported in the literature in individuals affected with FANCA-related conditions. This variant disrupts the p.Arg1400 amino acid residue in FANCA. Other variant(s) that disrupt this residue have been determined to be pathogenic (PMID: 15643609, 21273304, 24584348, 28102861, 28717661, 29098742). This suggests that this residue is clinically significant, and that variants that disrupt this residue are likely to be disease-causing. In summary, the currently available evidence indicates that the variant is pathogenic, but additional data are needed to prove that conclusively. Therefore, this variant has been classified as Likely Pathogenic.

Literature cited by the submitters: PubMed 15643609; PubMed 21273304; PubMed 24584348; PubMed 28102861; PubMed 28717661; PubMed 29098742.